The following is an entry in ClinVar:

NM_004991.4(MECOM):c.3691A>C (p.Ser1231Arg)

Gene: MECOM (MDS1 and EVI1 complex locus; minus strand). Cytogenetic location: 3q26.2.
Variant type: single nucleotide variant.
Coding change: c.3691A>C on transcript NM_004991.4 (MANE Select); coding-DNA position 3691, A replaced by C.
Protein change: p.Ser1231Arg; replaces serine 1231 with arginine.
Molecular consequence: missense variant.
Genome position (GRCh38, 1-based): chr3:169,084,938, T>G on the plus strand (A>C on the coding strand, the complement: MECOM is on the minus strand). VCF-style: chr3-169084938-T-G. GRCh37 (hg19) VCF-style: chr3-168802726-T-G.
Other names: c.3322A>C, p.Ser1108Arg (NM_001105077.4); c.3127A>C, p.Ser1043Arg (NM_001105078.4, NM_001205194.2, NM_001366469.2 and 1 more transcripts); c.3103A>C, p.Ser1035Arg (NM_001163999.2, NM_001366470.2); c.3100A>C, p.Ser1034Arg (NM_001164000.2, NM_001366471.2, NM_001366472.2); c.3664A>C, p.Ser1222Arg (NM_001366466.2); c.3130A>C, p.Ser1044Arg (NM_001366467.2, NM_001366468.2); c.2692A>C, p.Ser898Arg (NM_001366473.2); c.2128A>C, p.Ser710Arg (NM_001366474.2); short protein forms S1044R, S1222R, S1231R, S710R, S1035R, S1043R, S898R, S1034R.
Identifiers: ClinVar variation 4624602 (VCV004624602.1).

ClinVar aggregate classification (germline): Uncertain significance (1 of 4 stars; one submission).

Conditions:
Inborn genetic diseases. Identifiers: MedGen C0950123, MeSH D030342.

Submission:

Ambry Genetics
Classification: Uncertain significance for Inborn genetic diseases. Last evaluated: 2025-09-25. Review status: criteria provided, single submitter. Criteria: Ambry Variant Classification Scheme 2023. Collection method: clinical testing. Allele origin: germline.
Comment: The p.S1231R variant (also known as c.3691A>C), located in coding exon 17 of the MECOM gene, results from an A to C substitution at nucleotide position 3691. The serine at codon 1231 is replaced by arginine, an amino acid with dissimilar properties. This amino acid position is conserved. In addition, this alteration is predicted to be tolerated by in silico analysis. Based on the available evidence, the clinical significance of this variant remains unclear.